The following is an entry in ClinVar:

ClinVar aggregate classification (germline): Uncertain significance. Review status: criteria provided, multiple submitters, no conflicts (2 of 4 stars). 2 submissions from 2 submitters: Uncertain significance (2). Last evaluated 2024-04-30.

Conditions:
Deficiency of ferroxidase (ACEP). Also called: Aceruloplasminemia; Ceruloplasmin deficiency; Familial apoceruloplasmin deficiency; Hereditary ceruloplasmin deficiency; NEURODEGENERATION WITH BRAIN IRON ACCUMULATION 10; Deficiency of ceruloplasmin. Identifiers: Orphanet 48818, MedGen C0878682, MONDO:0011426, OMIM 604290, HP:0025498.

Allele frequency attached by ClinVar (database versions not stated): ExAC 0.00006; gnomAD exomes 0.00007 and 0.00009; gnomAD 0.00009 and 0.00010; TOPMed 0.00010; ESP Exome Variant Server 0.00015.
gnomAD v4.1: 145 of 1,614,042 alleles (0.009%); highest among the groups gnomAD compares: Non-Finnish European, 0.011%; no homozygotes.

Submissions (2):

Labcorp Genetics (formerly Invitae), Labcorp
Classification: Uncertain significance for Deficiency of ferroxidase. Last evaluated: 2024-04-30. Review status: criteria provided, single submitter. Criteria: Invitae Variant Classification Sherloc (09022015). Collection method: clinical testing. Allele origin: germline.
Comment: This sequence change replaces valine, which is neutral and non-polar, with methionine, which is neutral and non-polar, at codon 643 of the CP protein (p.Val643Met). This variant is present in population databases (rs143775161, gnomAD 0.009%). This variant has not been reported in the literature in individuals affected with CP-related conditions. ClinVar contains an entry for this variant (Variation ID: 1518838). Advanced modeling of protein sequence and biophysical properties (such as structural, functional, and spatial information, amino acid conservation, physicochemical variation, residue mobility, and thermodynamic stability) performed at Invitae indicates that this missense variant is not expected to disrupt CP protein function with a negative predictive value of 80%. In summary, the available evidence is currently insufficient to determine the role of this variant in disease. Therefore, it has been classified as a Variant of Uncertain Significance.

Fulgent Genetics
Classification: Uncertain significance for Deficiency of ferroxidase. Last evaluated: 2022-03-30. Review status: criteria provided, single submitter. Criteria: ACMG Guidelines, 2015. Collection method: clinical testing. Allele origin: unknown.

NM_000096.4(CP):c.1927G>A (p.Val643Met)

Gene: CP (ceruloplasmin; minus strand). Cytogenetic location: 3q24.
Variant type: single nucleotide variant.
Coding change: c.1927G>A on transcript NM_000096.4 (MANE Select); coding-DNA position 1927, G replaced by A.
Protein change: p.Val643Met; replaces valine 643 with methionine.
Molecular consequence: missense variant.
Genome position (GRCh38, 1-based): chr3:149,186,670, C>T on the plus strand (G>A on the coding strand, the complement: CP is on the minus strand). VCF-style: chr3-149186670-C-T. GRCh37 (hg19) VCF-style: chr3-148904457-C-T.
Other names: short protein forms V643M.
Identifiers: ClinVar variation 1518838 (VCV001518838.8), dbSNP rs143775161, ClinGen allele CA2660880.
Genomic context (GRCh38, chr3:149,186,670, plus strand): 5'-TTCCTGAAAAGTATATTCCATGTACATCGGCCTCATTTCCGGCGCTGAATAAGTACCACA[C>T]GACCGAATCTCCTTTGCACATAGTGAGACCCGGCTGATTCCCATACATGAATCCATTCAT-3'
Protein context (NP_000087.2, residues 633-653): GLTMCKGDSV[Val643Met]WYLFSAGNEA